The following is an entry in ClinVar:

ClinVar aggregate classification (germline): not provided (0 of 4 stars; one submission).

Allele frequency attached by ClinVar (database versions not stated): gnomAD exomes below 0.00001.
gnomAD v4.1: 2 of 1,614,174 alleles (0.00012%); highest among the groups gnomAD compares: Non-Finnish European, 0.000085%; no homozygotes.

Submission:

ITMI
No classification provided. Condition: AllHighlyPenetrant. Last evaluated: 2013-09-19. Review status: no classification provided. Collection method: reference population. Allele origin: germline.
Comment: Please see associated publication for description of ethnicities

Literature cited by the submitters: PubMed 24728327.

NM_001077706.3(ECT2L):c.713A>C (p.Glu238Ala)

Gene: ECT2L (epithelial cell transforming 2 like; plus strand). Cytogenetic location: 6q24.1.
Variant type: single nucleotide variant.
Coding change: c.713A>C on transcript NM_001077706.3 (MANE Select); coding-DNA position 713, A replaced by C.
Protein change: p.Glu238Ala; replaces glutamic acid 238 with alanine.
Molecular consequence: missense variant.
Genome position (GRCh38, 1-based): chr6:138,844,529, A>C. VCF-style: chr6-138844529-A-C. GRCh37 (hg19) VCF-style: chr6-139165666-A-C.
Other names: c.713A>C, p.Glu238Ala (NM_001195037.2); short protein forms E238A.
Identifiers: ClinVar variation 134009 (VCV000134009.1), dbSNP rs587778244, ClinGen allele CA158405.